The following is an entry in ClinVar:

ClinVar aggregate classification (germline): Uncertain significance (1 of 4 stars; one submission).

Conditions:
Short-rib thoracic dysplasia 14 with polydactyly (SRTD14). Identifiers: Orphanet 397715, MedGen C4225286, MONDO:0014688, OMIM 616546.
Joubert syndrome 23 (JBTS23). Identifiers: Orphanet 475, MedGen C4084822, MONDO:0014664, OMIM 616490.

Submission:

Labcorp Genetics (formerly Invitae), Labcorp
Classification: Uncertain significance for Joubert syndrome 23; Short-rib thoracic dysplasia 14 with polydactyly. Last evaluated: 2022-05-05. Review status: criteria provided, single submitter. Criteria: Invitae Variant Classification Sherloc (09022015). Collection method: clinical testing. Allele origin: germline.
Comment: This variant has not been reported in the literature in individuals affected with KIAA0586-related conditions. In summary, the available evidence is currently insufficient to determine the role of this variant in disease. Therefore, it has been classified as a Variant of Uncertain Significance. Variants that disrupt the consensus splice site are a relatively common cause of aberrant splicing (PMID: 17576681, 9536098). Algorithms developed to predict the effect of sequence changes on RNA splicing suggest that this variant is not likely to affect RNA splicing. This variant is not present in population databases (gnomAD no frequency). This sequence change falls in intron 19 of the KIAA0586 gene. It does not directly change the encoded amino acid sequence of the KIAA0586 protein. It affects a nucleotide within the consensus splice site.

Literature cited by the submitters: PubMed 17576681; PubMed 9536098.

NM_001329943.3(KIAA0586):c.2553+6T>C

Gene: KIAA0586 (KIAA0586; plus strand). Cytogenetic location: 14q23.1.
Variant type: single nucleotide variant.
Coding change: c.2553+6T>C on transcript NM_001329943.3 (MANE Select); 6 bases into the intron after coding-DNA position 2553, T replaced by C.
Molecular consequence: intron variant.
Genome position (GRCh38, 1-based): chr14:58,470,729, T>C. VCF-style: chr14-58470729-T-C. GRCh37 (hg19) VCF-style: chr14-58937447-T-C.
Other names: c.2712+6T>C (NM_001244189.2); c.2508+6T>C (NM_001244190.2); c.2421+6T>C (NM_001244192.2); c.2298+6T>C (NM_001244191.2, NM_001364701.2, NM_001329945.2 and 1 more transcripts); c.2553+6T>C (NM_001329944.2, NM_001329946.2, NM_001329947.2); c.2325+6T>C (NM_014749.5); c.2133+6T>C (NM_001244193.2).
Identifiers: ClinVar variation 2099946 (VCV002099946.4), dbSNP rs1179049019, ClinGen allele CA614352908.